The following is an entry in ClinVar:

ClinVar aggregate classification (germline): Uncertain significance (1 of 4 stars; one submission).

Conditions:
Primary immunodeficiency with post-measles-mumps-rubella vaccine viral infection. Also called: Immunodeficiency 44. Identifiers: Orphanet 431166, MedGen C4225260, MONDO:0014715, OMIM 616636.

Allele frequency attached by ClinVar (database versions not stated): gnomAD exomes below 0.00001; TOPMed below 0.00001; ExAC 0.00001.

Submission:

Labcorp Genetics (formerly Invitae), Labcorp
Classification: Uncertain significance for Primary immunodeficiency with post-measles-mumps-rubella vaccine viral infection. Last evaluated: 2022-08-09. Review status: criteria provided, single submitter. Criteria: Invitae Variant Classification Sherloc (09022015). Collection method: clinical testing. Allele origin: germline.
Comment: In summary, the available evidence is currently insufficient to determine the role of this variant in disease. Therefore, it has been classified as a Variant of Uncertain Significance. This variant has not been reported in the literature in individuals affected with STAT2-related conditions. Advanced modeling of protein sequence and biophysical properties (such as structural, functional, and spatial information, amino acid conservation, physicochemical variation, residue mobility, and thermodynamic stability) performed at Invitae indicates that this missense variant is not expected to disrupt STAT2 protein function. This variant is present in population databases (rs756904021, gnomAD 0.01%). This sequence change replaces isoleucine, which is neutral and non-polar, with valine, which is neutral and non-polar, at codon 163 of the STAT2 protein (p.Ile163Val).

NM_005419.4(STAT2):c.487A>G (p.Ile163Val)

Gene: STAT2 (signal transducer and activator of transcription 2; minus strand). Cytogenetic location: 12q13.3.
Variant type: single nucleotide variant.
Coding change: c.487A>G on transcript NM_005419.4 (MANE Select); coding-DNA position 487, A replaced by G.
Protein change: p.Ile163Val; replaces isoleucine 163 with valine.
Molecular consequence: missense variant.
Genome position (GRCh38, 1-based): chr12:56,355,336, T>C on the plus strand (A>G on the coding strand, the complement: STAT2 is on the minus strand). VCF-style: chr12-56355336-T-C. GRCh37 (hg19) VCF-style: chr12-56749120-T-C.
Other names: c.475A>G, p.Ile159Val (NM_001385110.1, NM_001385115.1, NM_198332.2); c.487A>G, p.Ile163Val (NM_001385111.1, NM_001385113.1, NM_001385114.1); short protein forms I159V, I163V.
Identifiers: ClinVar variation 2027439 (VCV002027439.4), dbSNP rs756904021, ClinGen allele CA6630850.